The following is an entry in ClinVar:

ClinVar aggregate classification (germline): Uncertain significance. Review status: criteria provided, multiple submitters, no conflicts (2 of 4 stars). 2 submissions from 2 submitters: Uncertain significance (2). Last evaluated 2025-07-08.

Conditions:
X-linked myopathy with postural muscle atrophy. Also called: FHL1-Related Emery-Dreifuss Muscular Dystrophy, X-Linked. Identifiers: Orphanet 178461, MedGen C2678055, MONDO:0010401, OMIM 300696.
Cardiovascular phenotype. Identifiers: MedGen CN230736.

Allele frequency attached by ClinVar (database versions not stated): gnomAD 0.00002.
gnomAD v4.1: 2 of 1,210,787 alleles (0.00017%); highest among the groups gnomAD compares: Non-Finnish European, 0.00022%; no homozygotes.

Submissions (2):

Labcorp Genetics (formerly Invitae), Labcorp
Classification: Uncertain significance for X-linked myopathy with postural muscle atrophy. Last evaluated: 2025-07-08. Review status: criteria provided, single submitter. Criteria: Invitae Variant Classification Sherloc (09022015). Collection method: clinical testing. Allele origin: germline.
Comment: This sequence change replaces glycine, which is neutral and non-polar, with valine, which is neutral and non-polar, at codon 137 of the FHL1 protein (p.Gly137Val). This variant is not present in population databases (gnomAD no frequency). This variant has not been reported in the literature in individuals affected with FHL1-related conditions. ClinVar contains an entry for this variant (Variation ID: 2450878). An algorithm developed to predict the effect of missense changes on protein structure and function (PolyPhen-2) suggests that this variant is likely to be disruptive. In summary, the available evidence is currently insufficient to determine the role of this variant in disease. Therefore, it has been classified as a Variant of Uncertain Significance.

Ambry Genetics
Classification: Uncertain significance for Cardiovascular phenotype. Last evaluated: 2022-11-27. Review status: criteria provided, single submitter. Criteria: Ambry Variant Classification Scheme 2023. Collection method: clinical testing. Allele origin: germline.
Comment: The p.G137V variant (also known as c.410G>T), located in coding exon 3 of the FHL1 gene, results from a G to T substitution at nucleotide position 410. The glycine at codon 137 is replaced by valine, an amino acid with dissimilar properties. This amino acid position is conserved. In addition, this alteration is predicted to be deleterious by in silico analysis. Since supporting evidence is limited at this time, the clinical significance of this alteration remains unclear.

NM_001159699.2(FHL1):c.458G>T (p.Gly153Val)

Gene: FHL1 (four and a half LIM domains 1; plus strand). Cytogenetic location: Xq26.3.
Variant type: single nucleotide variant.
Coding change: c.458G>T on transcript NM_001159699.2 (MANE Select); coding-DNA position 458, G replaced by T.
Protein change: p.Gly153Val; replaces glycine 153 with valine.
Molecular consequence: missense variant. On other transcripts: non-coding transcript variant (1).
Genome position (GRCh38, 1-based): chrX:136,207,870, G>T. VCF-style: chrX-136207870-G-T. GRCh37 (hg19) VCF-style: chrX-135290029-G-T.
Other names: c.410G>T, p.Gly137Val (NM_001159700.2, NM_001159702.3, NM_001159703.2 and 9 more transcripts); c.497G>T, p.Gly166Val (NM_001159701.2); c.458G>T, p.Gly153Val (NM_001330659.2); short protein forms G153V, G166V, G137V.
Identifiers: ClinVar variation 2450878 (VCV002450878.4), dbSNP rs1336338909, ClinGen allele CA414608464.